The following is an entry in ClinVar:

ClinVar aggregate classification (germline): Uncertain significance. Review status: criteria provided, multiple submitters, no conflicts (2 of 4 stars). 3 submissions from 3 submitters: Uncertain significance (3). Last evaluated 2025-05-09.

Conditions:
Inborn genetic diseases. Identifiers: MedGen C0950123, MeSH D030342.
Kostmann syndrome (SCN3). Also called: Autosomal recessive severe congenital neutropenia type 3; KOSTMANN DISEASE. Identifiers: Orphanet 99749, MedGen C5235141, MONDO:0012548, OMIM 610738.

Allele frequency attached by ClinVar (database versions not stated): ExAC 0.00010; 1000 Genomes Project 30x 0.00016; 1000 Genomes Project 0.00020.
gnomAD v4.1: 93 of 1,606,140 alleles (0.0058%); highest among the groups gnomAD compares: South Asian, 0.1%; 1 homozygote.

Submissions (3):

Ambry Genetics
Classification: Uncertain significance for Inborn genetic diseases. Last evaluated: 2025-05-09. Review status: criteria provided, single submitter. Criteria: Ambry Variant Classification Scheme 2023. Collection method: clinical testing. Allele origin: germline.
Comment: The p.S189P variant (also known as c.565T>C), located in coding exon 5 of the HAX1 gene, results from a T to C substitution at nucleotide position 565. The serine at codon 189 is replaced by proline, an amino acid with similar properties. This amino acid position is conserved. In addition, the in silico prediction for this alteration is inconclusive. Based on the available evidence, the clinical significance of this variant remains unclear.

Labcorp Genetics (formerly Invitae), Labcorp
Classification: Uncertain significance for Kostmann syndrome. Last evaluated: 2022-06-15. Review status: criteria provided, single submitter. Criteria: Invitae Variant Classification Sherloc (09022015). Collection method: clinical testing. Allele origin: germline.
Comment: This sequence change replaces serine, which is neutral and polar, with proline, which is neutral and non-polar, at codon 189 of the HAX1 protein (p.Ser189Pro). This variant is present in population databases (rs546841133, gnomAD 0.1%). This variant has not been reported in the literature in individuals affected with HAX1-related conditions. Algorithms developed to predict the effect of missense changes on protein structure and function are either unavailable or do not agree on the potential impact of this missense change (SIFT: "Deleterious"; PolyPhen-2: "Possibly Damaging"; Align-GVGD: "Class C0"). In summary, the available evidence is currently insufficient to determine the role of this variant in disease. Therefore, it has been classified as a Variant of Uncertain Significance.

Blueprint Genetics
Classification: Uncertain significance. Last evaluated: 2019-01-02. Review status: criteria provided, single submitter. Criteria: ACMG Guidelines, 2015. Collection method: clinical testing. Allele origin: germline.

NM_006118.4(HAX1):c.565T>C (p.Ser189Pro)

Gene: HAX1 (HCLS1 associated protein X-1; plus strand). Cytogenetic location: 1q21.3.
Variant type: single nucleotide variant.
Coding change: c.565T>C on transcript NM_006118.4 (MANE Select); coding-DNA position 565, T replaced by C.
Protein change: p.Ser189Pro; replaces serine 189 with proline.
Molecular consequence: missense variant.
Genome position (GRCh38, 1-based): chr1:154,275,162, T>C. VCF-style: chr1-154275162-T-C. GRCh37 (hg19) VCF-style: chr1-154247638-T-C.
Other names: c.421T>C, p.Ser141Pro (NM_001018837.2); short protein forms S141P, S189P.
Identifiers: ClinVar variation 2139757 (VCV002139757.3), dbSNP rs546841133, ClinGen allele CA1127409.